The following is an entry in ClinVar:

ClinVar aggregate classification (germline): Uncertain significance (1 of 4 stars; one submission).

Conditions:
SLC33A1-related disorder. Also called: SLC33A1-related condition.

Allele frequency attached by ClinVar (database versions not stated): gnomAD exomes below 0.00001; ExAC 0.00001.
gnomAD v4.1: 1 of 1,613,194 alleles (0.000062%); highest among the groups gnomAD compares: South Asian, 0.0011%; no homozygotes.

Submission:

PreventionGenetics, part of Exact Sciences
Classification: Uncertain significance for SLC33A1-related condition. Last evaluated: 2023-05-25. Review status: criteria provided, single submitter. Criteria: ACMG Guidelines, 2015. Collection method: clinical testing. Allele origin: germline.
Comment: The SLC33A1 c.770T>C variant is predicted to result in the amino acid substitution p.Leu257Pro. To our knowledge, this variant has not been reported in the literature. This variant is reported in 0.0033% of alleles in individuals of South Asian descent in gnomAD. At this time, the clinical significance of this variant is uncertain due to the absence of conclusive functional and genetic evidence.

NM_004733.4(SLC33A1):c.770T>C (p.Leu257Pro)

Gene: SLC33A1 (solute carrier family 33 member 1; minus strand). Cytogenetic location: 3q25.31.
Variant type: single nucleotide variant.
Coding change: c.770T>C on transcript NM_004733.4 (MANE Select); coding-DNA position 770, T replaced by C.
Protein change: p.Leu257Pro; replaces leucine 257 with proline.
Molecular consequence: missense variant.
Genome position (GRCh38, 1-based): chr3:155,853,228, A>G on the plus strand (T>C on the coding strand, the complement: SLC33A1 is on the minus strand). VCF-style: chr3-155853228-A-G. GRCh37 (hg19) VCF-style: chr3-155571017-A-G.
Other names: c.770T>C, p.Leu257Pro (NM_001190992.2, NM_001363883.1); short protein forms L257P.
Identifiers: ClinVar variation 2632424 (VCV002632424.1), dbSNP rs764421862, ClinGen allele CA2677384.